The following is an entry in ClinVar:

ClinVar aggregate classification (germline): Pathogenic (1 of 4 stars; one submission).

Submission:

Labcorp Genetics (formerly Invitae), Labcorp
Classification: Pathogenic. Last evaluated: 2022-03-19. Review status: criteria provided, single submitter. Criteria: Invitae Variant Classification Sherloc (09022015). Collection method: clinical testing. Allele origin: germline.
Comment: For these reasons, this variant has been classified as Pathogenic. Algorithms developed to predict the effect of sequence changes on RNA splicing suggest that this variant may disrupt the consensus splice site. ClinVar contains an entry for this variant (Variation ID: 1068502). Disruption of this splice site has been observed in individual(s) with choroideremia (PMID: 28157192). This variant is not present in population databases (gnomAD no frequency). This sequence change affects an acceptor splice site in intron 4 of the CHM gene. It is expected to disrupt RNA splicing. Variants that disrupt the donor or acceptor splice site typically lead to a loss of protein function (PMID: 16199547), and loss-of-function variants in CHM are known to be pathogenic (PMID: 9067750, 23811034).

Literature cited by the submitters: PubMed 28157192; PubMed 16199547; PubMed 9067750; PubMed 23811034.

NM_000390.4(CHM):c.315-2A>C

Genes: CHM (CHM Rab escort protein; minus strand), LOC129391306 (MPRA-validated peak7401 silencer; plus strand). Cytogenetic location: Xq21.2.
Variant type: single nucleotide variant.
Coding change: c.315-2A>C on transcript NM_000390.4 (MANE Select); the canonical splice acceptor site of the intron before coding-DNA position 315, A replaced by C.
Molecular consequence: splice acceptor variant. On other transcripts: intron variant (2).
Genome position (GRCh38, 1-based): chrX:85,964,054, T>G on the plus strand (A>C on the coding strand, the complement: CHM is on the minus strand). VCF-style: chrX-85964054-T-G. GRCh37 (hg19) VCF-style: chrX-85219059-T-G.
Other names: c.-126-6A>C (NM_001362519.1, NM_001362518.2); c.-130-2A>C (NM_001362517.1, NM_001320959.1).
Identifiers: ClinVar variation 1068502 (VCV001068502.12), dbSNP rs2147676556, ClinGen allele CA413787466.